The following is an entry in ClinVar:

ClinVar aggregate classification (germline): Conflicting classifications of pathogenicity. Review status: criteria provided, conflicting classifications (1 of 4 stars). 3 submissions from 3 submitters: Uncertain significance (2); Likely benign (1). Last evaluated 2026-05-11.

Conditions:
Hereditary cancer-predisposing syndrome. Also called: Hereditary Cancer Syndrome; Tumor predisposition; Hereditary neoplastic syndrome; Neoplastic Syndromes, Hereditary. Identifiers: Orphanet 140162, MedGen C0027672, MeSH D009386, MONDO:0015356.
Hereditary diffuse gastric adenocarcinoma (HDGC). Also called: DIFFUSE GASTRIC AND LOBULAR BREAST CANCER SYNDROME. Identifiers: Orphanet 26106, MedGen C1708349, MONDO:0007648, OMIM 137215.

Submissions (3):

Ambry Genetics
Classification: Likely benign for Hereditary cancer-predisposing syndrome. Last evaluated: 2026-05-11. Review status: criteria provided, single submitter. Criteria: Ambry Variant Classification Scheme 2023. Collection method: clinical testing. Allele origin: germline.

Laboratorio de Genetica e Diagnostico Molecular, Hospital Israelita Albert Einstein
Classification: Uncertain significance for Hereditary diffuse gastric adenocarcinoma. Last evaluated: 2022-10-14. Review status: criteria provided, single submitter. Criteria: ACMG Guidelines, 2015. Collection method: clinical testing. Allele origin: germline. Affected: yes. Observed: 1 variant allele.
Comment: ACMG classification criteria: PM2 moderated, BP4 supporting

Labcorp Genetics (formerly Invitae), Labcorp
Classification: Uncertain significance for Hereditary diffuse gastric adenocarcinoma. Last evaluated: 2017-03-02. Review status: criteria provided, single submitter. Criteria: Invitae Variant Classification Sherloc (09022015). Collection method: clinical testing. Allele origin: germline.
Comment: This sequence change replaces serine with glycine at codon 5 of the CDH1 protein (p.Ser5Gly). The serine residue is weakly conserved and there is a small physicochemical difference between serine and glycine. While this variant is not present in population databases, the frequency information is unreliable, as metrics indicate poor data quality at this position in the ExAC database. This variant has not been reported in the literature in individuals with a CDH1-related disease. Algorithms developed to predict the effect of missense changes on protein structure and function (SIFT, PolyPhen-2, Align-GVGD) all suggest that this variant is likely to be tolerated, but these predictions have not been confirmed by published functional studies. In summary, this variant is a novel missense change that is not predicted to affect protein function. There is no indication that it causes disease, but the available evidence is currently insufficient to prove that conclusively. Therefore, it has been classified as a Variant of Uncertain Significance.

NM_004360.5(CDH1):c.13A>G (p.Ser5Gly)

Gene: CDH1 (cadherin 1; plus strand). Cytogenetic location: 16q22.1.
Variant type: single nucleotide variant.
Coding change: c.13A>G on transcript NM_004360.5 (MANE Select); coding-DNA position 13, A replaced by G.
Protein change: p.Ser5Gly; replaces serine 5 with glycine.
Molecular consequence: missense variant. On other transcripts: 5 prime UTR variant (2).
Genome position (GRCh38, 1-based): chr16:68,737,428, A>G. VCF-style: chr16-68737428-A-G. GRCh37 (hg19) VCF-style: chr16-68771331-A-G.
Other names: c.13A>G (LRG_301t1); c.13A>G, p.Ser5Gly (NM_001317184.2); c.-1603A>G (NM_001317185.2); c.-1807A>G (NM_001317186.2); short protein forms S5G.
Identifiers: ClinVar variation 463713 (VCV000463713.12), dbSNP rs1555509637, ClinGen allele CA396451260.